The following is an entry in ClinVar:

NM_003680.4(YARS1):c.799G>A (p.Val267Ile)

Genes: YARS1 (tyrosyl-tRNA synthetase 1; minus strand), LOC126805688 (BRD4-independent group 4 enhancer GRCh37_chr1:33251929-33253128; plus strand). Cytogenetic location: 1p35.1.
Variant type: single nucleotide variant.
Coding change: c.799G>A on transcript NM_003680.4 (MANE Select); coding-DNA position 799, G replaced by A.
Protein change: p.Val267Ile; replaces valine 267 with isoleucine.
Molecular consequence: missense variant.
Genome position (GRCh38, 1-based): chr1:32,786,961, C>T on the plus strand (G>A on the coding strand, the complement: YARS1 is on the minus strand). VCF-style: chr1-32786961-C-T. GRCh37 (hg19) VCF-style: chr1-33252562-C-T.
Other names: c.799G>A (NM_003680.3); short protein forms V267I.
Identifiers: ClinVar variation 1009686 (VCV001009686.8), dbSNP rs1230847972, ClinGen allele CA339685075.

ClinVar aggregate classification (germline): Uncertain significance. Review status: criteria provided, multiple submitters, no conflicts (2 of 4 stars). 2 submissions from 2 submitters: Uncertain significance (2). Last evaluated 2025-04-23.

Conditions:
Charcot-Marie-Tooth disease dominant intermediate C (CMTDIC). Also called: CHARCOT-MARIE-TOOTH NEUROPATHY, DOMINANT INTERMEDIATE C. Identifiers: Orphanet 100045, MedGen C1842237, MONDO:0012012, OMIM 608323.

Allele frequency attached by ClinVar (database versions not stated): gnomAD exomes below 0.00001.

Submissions (2):

GeneDx
Classification: Uncertain significance. Last evaluated: 2025-04-23. Review status: criteria provided, single submitter. Criteria: GeneDx Variant Classification Process June 2021. Collection method: clinical testing. Allele origin: germline. Affected: yes.
Comment: Not observed at significant frequency in large population cohorts (gnomAD); In silico analysis supports that this missense variant has a deleterious effect on splicing; In silico analysis indicates that this missense variant does not alter protein structure/function; Has not been previously published as pathogenic or benign to our knowledge; This variant is associated with the following publications: (PMID: 16429158)

Labcorp Genetics (formerly Invitae), Labcorp
Classification: Uncertain significance for Charcot-Marie-Tooth disease dominant intermediate C. Last evaluated: 2020-02-07. Review status: criteria provided, single submitter. Criteria: Invitae Variant Classification Sherloc (09022015). Collection method: clinical testing. Allele origin: germline.
Comment: This sequence change replaces valine with isoleucine at codon 267 of the YARS protein (p.Val267Ile). The valine residue is highly conserved and there is a small physicochemical difference between valine and isoleucine. This variant is not present in population databases (ExAC no frequency). This variant has not been reported in the literature in individuals with YARS-related conditions. Algorithms developed to predict the effect of missense changes on protein structure and function are either unavailable or do not agree on the potential impact of this missense change (SIFT: "Not Available"; PolyPhen-2: "Possibly Damaging"; Align-GVGD: "Not Available"). In summary, the available evidence is currently insufficient to determine the role of this variant in disease. Therefore, it has been classified as a Variant of Uncertain Significance.